The following is an entry in ClinVar:

NM_000531.6(OTC):c.154G>T (p.Glu52Ter)

Gene: OTC (ornithine transcarbamylase; plus strand). Cytogenetic location: Xp11.4.
Variant type: single nucleotide variant.
Coding change: c.154G>T on transcript NM_000531.6 (MANE Select); coding-DNA position 154, G replaced by T.
Protein change: p.Glu52Ter; replaces glutamic acid 52 with a stop codon.
Molecular consequence: nonsense.
Genome position (GRCh38, 1-based): chrX:38,367,367, G>T. VCF-style: chrX-38367367-G-T. GRCh37 (hg19) VCF-style: chrX-38226620-G-T.
Other names: short protein forms E52*.
Identifiers: ClinVar variation 97119 (VCV000097119.7), dbSNP rs66521141, ClinGen allele CA224476.
Genomic context (GRCh38, chrX:38,367,367, plus strand): 5'-CAAAATAAAGTGCAGCTGAAGGGCCGTGACCTTCTCACTCTAAAAAACTTTACCGGAGAA[G>T]AAATTAAATATATGCTATGGCTATCAGCAGATCTGAAATTTAGGATAAAACAGAAAGGAG-3'

ClinVar aggregate classification (germline): Pathogenic. Review status: criteria provided, single submitter (1 of 4 stars). 2 submissions from 2 submitters: Pathogenic (1). 1 of the submissions does not count toward it. Last evaluated 2022-07-23.

Conditions:
Ornithine carbamoyltransferase deficiency (OTCD). Also called: ORNITHINE TRANSCARBAMYLASE DEFICIENCY, HYPERAMMONEMIA DUE TO; ORNITHINE TRANSCARBAMYLASE DEFICIENCY; OTC DEFICIENCY; Ornithine Carbamoyltransferase Deficiency Disease. Identifiers: Orphanet 664, MedGen C0268542, MONDO:0010703, OMIM 311250.

Submissions (2):

Labcorp Genetics (formerly Invitae), Labcorp
Classification: Pathogenic for Ornithine carbamoyltransferase deficiency. Last evaluated: 2022-07-23. Review status: criteria provided, single submitter. Criteria: Invitae Variant Classification Sherloc (09022015). Collection method: clinical testing. Allele origin: germline.
Comment: For these reasons, this variant has been classified as Pathogenic. ClinVar contains an entry for this variant (Variation ID: 97119). This premature translational stop signal has been observed in individual(s) with ornithine transcarbamylase deficiency (PMID: 10946359). This variant is not present in population databases (gnomAD no frequency). This sequence change creates a premature translational stop signal (p.Glu52*) in the OTC gene. It is expected to result in an absent or disrupted protein product. Loss-of-function variants in OTC are known to be pathogenic (PMID: 10946359, 16786505).

GenMed Metabolism Lab
Classification: Pathogenic. Review status: no assertion criteria provided. Collection method: not provided. Allele origin: unknown. Not counted in ClinVar's aggregate classification.
ClinVar note: Converted during submission from pathogenic to Pathogenic.

Literature cited by the submitters: PubMed 10946359 (cited by Labcorp Genetics (formerly Invitae), Labcorp); PubMed 16786505 (cited by Labcorp Genetics (formerly Invitae), Labcorp).